The following is an entry in ClinVar:

ClinVar aggregate classification (germline): Benign. Review status: criteria provided, single submitter (1 of 4 stars). 2 submissions from 2 submitters: Benign (1). 1 of the submissions does not count toward it. Last evaluated 2025-12-05.

Conditions:
Paroxysmal nonkinesigenic dyskinesia. Also called: Paroxysmal non-kinesigenic dyskinesia. Identifiers: Orphanet 98810, MedGen C1869117, MONDO:0700088.
PNKD-related disorder. Also called: PNKD-related condition.

Allele frequency attached by ClinVar (database versions not stated): gnomAD exomes 0.00009; 1000 Genomes Project 0.00020; 1000 Genomes Project 30x 0.00031; ESP Exome Variant Server 0.00038; TOPMed 0.00039; gnomAD 0.00046 and 0.00053.
gnomAD v4.1: 134 of 1,606,990 alleles (0.0083%); highest among the groups gnomAD compares: African/African-American, 0.16%; no homozygotes.

Submissions (4):

Labcorp Genetics (formerly Invitae), Labcorp
Classification: Benign for Paroxysmal nonkinesigenic dyskinesia. Last evaluated: 2025-12-05. Review status: criteria provided, single submitter. Criteria: Invitae Variant Classification Sherloc (09022015). Collection method: clinical testing. Allele origin: germline.

PreventionGenetics, part of Exact Sciences
Classification: Likely benign for PNKD-related condition. Last evaluated: 2024-03-20. Review status: no assertion criteria provided. Collection method: clinical testing. Allele origin: germline. Not counted in ClinVar's aggregate classification.
Comment: This variant is classified as likely benign based on ACMG/AMP sequence variant interpretation guidelines (Richards et al. 2015 PMID: 25741868, with internal and published modifications).

Dr. Peter K. Rogan Lab, Western University
No classification provided (evidence only). Condition: Colon adenocarcinoma. Review status: no classification provided. Collection method: in vitro. Allele origin: not applicable. Functional consequence: retained intron. Not counted in ClinVar's aggregate classification.

Dr. Peter K. Rogan Lab, Western University
No classification provided (evidence only). Condition: Thyroid cancer, nonmedullary, 1. Review status: no classification provided. Collection method: in vitro. Allele origin: not applicable. Functional consequence: retained intron. Not counted in ClinVar's aggregate classification.

NM_015488.5(PNKD):c.321C>T (p.Gly107=)

Genes: CATIP-AS2 (CATIP antisense RNA 2; minus strand), PNKD (PNKD metallo-beta-lactamase domain containing; plus strand). Cytogenetic location: 2q35.
Variant type: single nucleotide variant.
Coding change: c.321C>T on transcript NM_015488.5 (MANE Select); coding-DNA position 321, C replaced by T.
Protein change: p.Gly107=; no amino-acid change (glycine 107 retained).
Molecular consequence: synonymous variant.
Genome position (GRCh38, 1-based): chr2:218,339,867, C>T. VCF-style: chr2-218339867-C-T. GRCh37 (hg19) VCF-style: chr2-219204590-C-T.
Other names: c.249C>T, p.Gly83= (NM_022572.5).
Identifiers: ClinVar variation 697787 (VCV000697787.13), dbSNP rs144856848, ClinGen allele CA2103893.
Genomic context (GRCh38, chr2:218,339,867, plus strand): 5'-GCTCGGGTACCTCTTCTACCGACAGCAGCTGCGCAGGGCTCGGAATCGCTACCCTAAAGG[C>T]CACTCGAAAACCCAGCCCCGCCTCTTCAATGGTGAGCTCTGACTGCCCCGGCCAGCATCC-3'
Protein context (NP_056303.3, residues 97-117): LRRARNRYPK[Gly107=]HSKTQPRLFN